The following is an entry in ClinVar:

NM_001020658.2(PUM1):c.2922C>T (p.His974=)

Gene: PUM1 (pumilio RNA binding family member 1; minus strand). Cytogenetic location: 1p35.2.
Variant type: single nucleotide variant.
Coding change: c.2922C>T on transcript NM_001020658.2 (MANE Select); coding-DNA position 2922, C replaced by T.
Protein change: p.His974=; no amino-acid change (histidine 974 retained).
Molecular consequence: synonymous variant.
Genome position (GRCh38, 1-based): chr1:30,945,418, G>A on the plus strand (C>T on the coding strand, the complement: PUM1 is on the minus strand). VCF-style: chr1-30945418-G-A. GRCh37 (hg19) VCF-style: chr1-31418265-G-A.
Other names: c.2916C>T, p.His972= (NM_014676.3).
Identifiers: ClinVar variation 5039387 (VCV005039387.1).

ClinVar aggregate classification (germline): Likely benign (1 of 4 stars; one submission).

gnomAD v4.1: 105 of 1,613,978 alleles (0.0065%); highest among the groups gnomAD compares: South Asian, 0.0088%; no homozygotes.

Submission:

CeGaT Center for Human Genetics Tuebingen
Classification: Likely benign. Last evaluated: 2026-08-01. Review status: criteria provided, single submitter. Criteria: CeGaT Center For Human Genetics Tuebingen Variant Classification Criteria Version 2. Collection method: clinical testing. Allele origin: germline. Affected: yes. Observed: 1 variant allele.
Comment: PUM1: BP4, BP7